The following is an entry in ClinVar:

ClinVar aggregate classification (germline): Uncertain significance. Review status: criteria provided, multiple submitters, no conflicts (2 of 4 stars). 4 submissions from 4 submitters: Uncertain significance (4). Last evaluated 2026-07-06.

Conditions:
Hereditary cancer-predisposing syndrome. Also called: Hereditary Cancer Syndrome; Tumor predisposition; Hereditary neoplastic syndrome; Neoplastic Syndromes, Hereditary. Identifiers: Orphanet 140162, MedGen C0027672, MeSH D009386, MONDO:0015356.
Hereditary diffuse gastric adenocarcinoma (HDGC). Also called: DIFFUSE GASTRIC AND LOBULAR BREAST CANCER SYNDROME. Identifiers: Orphanet 26106, MedGen C1708349, MONDO:0007648, OMIM 137215.

Submissions (4):

Ambry Genetics
Classification: Uncertain significance for Hereditary cancer-predisposing syndrome. Last evaluated: 2026-07-06. Review status: criteria provided, single submitter. Criteria: Ambry Variant Classification Scheme 2023. Collection method: clinical testing. Allele origin: germline.
Comment: The p.Q610P variant (also known as c.1829A>C), located in coding exon 12 of the CDH1 gene, results from an A to C substitution at nucleotide position 1829. The glutamine at codon 610 is replaced by proline, an amino acid with similar properties. This amino acid position is conserved. In addition, this alteration is predicted to be tolerated by in silico analysis. Based on the available evidence, the clinical significance of this variant remains unclear.

GeneDx
Classification: Uncertain significance. Last evaluated: 2024-01-18. Review status: criteria provided, single submitter. Criteria: GeneDx Variant Classification Process June 2021. Collection method: clinical testing. Allele origin: germline. Affected: yes.
Comment: Not observed at significant frequency in large population cohorts (gnomAD); In silico analysis supports that this missense variant has a deleterious effect on protein structure/function; Has not been previously published as pathogenic or benign to our knowledge; This variant is associated with the following publications: (PMID: 15235021, 22850631)

Labcorp Genetics (formerly Invitae), Labcorp
Classification: Uncertain significance for Hereditary diffuse gastric adenocarcinoma. Last evaluated: 2023-10-04. Review status: criteria provided, single submitter. Criteria: Invitae Variant Classification Sherloc (09022015). Collection method: clinical testing. Allele origin: germline.
Comment: This sequence change replaces glutamine, which is neutral and polar, with proline, which is neutral and non-polar, at codon 610 of the CDH1 protein (p.Gln610Pro). This variant is not present in population databases (gnomAD no frequency). This variant has not been reported in the literature in individuals affected with CDH1-related conditions. ClinVar contains an entry for this variant (Variation ID: 496230). An algorithm developed to predict the effect of missense changes on protein structure and function (PolyPhen-2) suggests that this variant is likely to be tolerated. In summary, the available evidence is currently insufficient to determine the role of this variant in disease. Therefore, it has been classified as a Variant of Uncertain Significance.

Women's Health and Genetics/Laboratory Corporation of America, LabCorp
Classification: Uncertain significance. Last evaluated: 2017-08-09. Review status: criteria provided, single submitter. Criteria: LabCorp Variant Classification Summary - May 2015. Collection method: clinical testing. Allele origin: germline.
Comment: Variant summary: The CDH1 c.1829A>C (p.Gln610Pro) variant located in Cadherin-like domain (via Interpro) involves the alteration of a non-conserved nucleotide and 3/4 in silico tools (SNPsandGO not captured due to low reliability index) predict a benign outcome. This variant is absent in 121410 control chromosomes. The variant of interest has not, to our knowledge, been reported in affected individuals via publications and/or reputable databases/clinical diagnostic laboratories; nor evaluated for functional impact by in vivo/vitro studies. Because of the absence of clinical information and the lack of functional studies, the variant is classified as a "Variant of Uncertain Significance (VUS)," until additional information becomes available.

NM_004360.5(CDH1):c.1829A>C (p.Gln610Pro)

Gene: CDH1 (cadherin 1; plus strand). Cytogenetic location: 16q22.1.
Variant type: single nucleotide variant.
Coding change: c.1829A>C on transcript NM_004360.5 (MANE Select); coding-DNA position 1829, A replaced by C.
Protein change: p.Gln610Pro; replaces glutamine 610 with proline.
Molecular consequence: missense variant. On other transcripts: 5 prime UTR variant (1).
Genome position (GRCh38, 1-based): chr16:68,822,118, A>C. VCF-style: chr16-68822118-A-C. GRCh37 (hg19) VCF-style: chr16-68856021-A-C.
Other names: c.1829A>C (LRG_301t1); c.1646A>C, p.Gln549Pro (NM_001317184.2); c.281A>C, p.Gln94Pro (NM_001317185.2); c.-137A>C (NM_001317186.2); short protein forms Q610P, Q94P, Q549P.
Identifiers: ClinVar variation 496230 (VCV000496230.6), dbSNP rs1555516856, ClinGen allele CA396466898.